The following is an entry in ClinVar:

NM_033028.5(BBS4):c.1066A>G (p.Asn356Asp)

Gene: BBS4 (Bardet-Biedl syndrome 4; plus strand). Cytogenetic location: 15q24.1.
Variant type: single nucleotide variant.
Coding change: c.1066A>G on transcript NM_033028.5 (MANE Select); coding-DNA position 1066, A replaced by G.
Protein change: p.Asn356Asp; replaces asparagine 356 with aspartic acid.
Molecular consequence: missense variant. On other transcripts: non-coding transcript variant (2).
Genome position (GRCh38, 1-based): chr15:72,735,142, A>G. VCF-style: chr15-72735142-A-G. GRCh37 (hg19) VCF-style: chr15-73027483-A-G.
Other names: c.550A>G, p.Asn184Asp (NM_001252678.2); c.997A>G, p.Asn333Asp (NM_001320665.2); short protein forms N184D, N333D, N356D.
Identifiers: ClinVar variation 4987875 (VCV004987875.1).

ClinVar aggregate classification (germline): Uncertain significance (1 of 4 stars; one submission).

Conditions:
BBS4-related disorder. Also called: BBS4-related condition.

gnomAD v4.1: 2 of 1,613,732 alleles (0.00012%); highest among the groups gnomAD compares: Admixed American, 0.0033%; no homozygotes.

Submission:

PreventionGenetics, part of Exact Sciences
Classification: Uncertain significance for BBS4-related condition. Last evaluated: 2025-02-06. Review status: criteria provided, single submitter. Criteria: ACMG Guidelines, 2015. Collection method: clinical testing. Allele origin: germline.
Comment: The BBS4 c.1066A>G variant is predicted to result in the amino acid substitution p.Asn356Asp. To our knowledge, this variant has not been reported in the literature. This variant is reported in 0.0056% of alleles in individuals of Latino descent in gnomAD. At this time, the clinical significance of this variant is uncertain due to the absence of conclusive functional and genetic evidence.